The following is an entry in ClinVar:

NM_006096.4(NDRG1):c.492C>T (p.Asn164=)

Gene: NDRG1 (N-myc downstream regulated 1; minus strand). Cytogenetic location: 8q24.22.
Variant type: single nucleotide variant.
Coding change: c.492C>T on transcript NM_006096.4 (MANE Select); coding-DNA position 492, C replaced by T.
Protein change: p.Asn164=; no amino-acid change (asparagine 164 retained).
Molecular consequence: synonymous variant.
Genome position (GRCh38, 1-based): chr8:133,256,822, G>A on the plus strand (C>T on the coding strand, the complement: NDRG1 is on the minus strand). VCF-style: chr8-133256822-G-A. GRCh37 (hg19) VCF-style: chr8-134269065-G-A.
Other names: p.Asn164=; c.492C>T (NM_006096.3); c.492C>T, p.Asn164= (NM_001135242.2, NM_001374844.1, NM_001374845.1 and 1 more transcripts); c.294C>T, p.Asn98= (NM_001258432.2, NM_001374847.1); c.249C>T, p.Asn83= (NM_001258433.2).
Identifiers: ClinVar variation 1107563 (VCV001107563.11), dbSNP rs183043224, ClinGen allele CA4886729.

ClinVar aggregate classification (germline): Likely benign. Review status: criteria provided, multiple submitters, no conflicts (2 of 4 stars). 3 submissions from 3 submitters: Likely benign (3). Last evaluated 2025-09-12.

Conditions:
NDRG1-related disorder. Also called: NDRG1-related condition.
Charcot-Marie-Tooth disease type 4. Also called: Charcot-Marie-Tooth, Type 4; Charcot-Marie-Tooth disease, type IV. Identifiers: Orphanet 64749, MedGen C4082197, MONDO:0018995.

Allele frequency attached by ClinVar (database versions not stated): gnomAD exomes 0.00001 and 0.00002; ExAC 0.00002; gnomAD 0.00004; TOPMed 0.00008; 1000 Genomes Project 0.00020; 1000 Genomes Project 30x 0.00031.

Submissions (3):

PreventionGenetics, part of Exact Sciences
Classification: Likely benign for NDRG1-related condition. Last evaluated: 2025-09-12. Review status: criteria provided, single submitter. Criteria: ACMG Guidelines, 2015. Collection method: clinical testing. Allele origin: germline.
Comment: This variant is classified as likely benign based on ACMG/AMP sequence variant interpretation guidelines (Richards et al. 2015 PMID: 25741868, with internal and published modifications).

Labcorp Genetics (formerly Invitae), Labcorp
Classification: Likely benign for Charcot-Marie-Tooth disease type 4. Last evaluated: 2025-02-06. Review status: criteria provided, single submitter. Criteria: Invitae Variant Classification Sherloc (09022015). Collection method: clinical testing. Allele origin: germline.

Mayo Clinic Laboratories, Mayo Clinic
Classification: Likely benign. Last evaluated: 2025-02-06. Review status: criteria provided, single submitter. Criteria: ACMG Guidelines, 2015. Collection method: clinical testing. Allele origin: germline. Observed: 1 variant allele.
Comment: BP4, BP7